The following is an entry in ClinVar:

ClinVar aggregate classification (germline): Uncertain significance (1 of 4 stars; one submission).

Conditions:
Schimke immuno-osseous dysplasia (SIOD). Also called: Schimke Immunoosseous Dysplasia. Identifiers: Orphanet 1830, MedGen C0877024, MONDO:0009458, OMIM 242900.

Allele frequency attached by ClinVar (database versions not stated): gnomAD exomes below 0.00001.

Submission:

Labcorp Genetics (formerly Invitae), Labcorp
Classification: Uncertain significance for Schimke immuno-osseous dysplasia. Last evaluated: 2024-02-17. Review status: criteria provided, single submitter. Criteria: Invitae Variant Classification Sherloc (09022015). Collection method: clinical testing. Allele origin: germline.
Comment: This sequence change replaces lysine, which is basic and polar, with asparagine, which is neutral and polar, at codon 238 of the SMARCAL1 protein (p.Lys238Asn). This variant is not present in population databases (gnomAD no frequency). This variant has not been reported in the literature in individuals affected with SMARCAL1-related conditions. ClinVar contains an entry for this variant (Variation ID: 1427837). Advanced modeling of protein sequence and biophysical properties (such as structural, functional, and spatial information, amino acid conservation, physicochemical variation, residue mobility, and thermodynamic stability) performed at Invitae indicates that this missense variant is not expected to disrupt SMARCAL1 protein function with a negative predictive value of 80%. In summary, the available evidence is currently insufficient to determine the role of this variant in disease. Therefore, it has been classified as a Variant of Uncertain Significance.

NM_014140.4(SMARCAL1):c.714G>C (p.Lys238Asn)

Gene: SMARCAL1 (SNF2 related chromatin remodeling annealing helicase 1; plus strand). Cytogenetic location: 2q35.
Variant type: single nucleotide variant.
Coding change: c.714G>C on transcript NM_014140.4 (MANE Select); coding-DNA position 714, G replaced by C.
Protein change: p.Lys238Asn; replaces lysine 238 with asparagine.
Molecular consequence: missense variant.
Genome position (GRCh38, 1-based): chr2:216,415,418, G>C. VCF-style: chr2-216415418-G-C. GRCh37 (hg19) VCF-style: chr2-217280141-G-C.
Other names: c.714G>C, p.Lys238Asn (NM_001127207.2); short protein forms K238N.
Identifiers: ClinVar variation 1427837 (VCV001427837.8), dbSNP rs2106015223, ClinGen allele CA350497890.
Genomic context (GRCh38, chr2:216,415,418, plus strand): 5'-AGAAGGAAGACTCCAGCAGAAGTCAGGGTCCTCAGTCCAAAAAGGAGTGAACTCTCAGAA[G>C]GGAAAGTGCGTAAGGAACGGCGATCGTTTCCAGGTGTTGATTGGGTACAATGCGGAACTC-3'
Protein context (NP_054859.2, residues 228-248): SSVQKGVNSQ[Lys238Asn]GKCVRNGDRF